The following is an entry in ClinVar:

NM_001167.4(XIAP):c.276T>C (p.Phe92=)

Gene: XIAP (X-linked inhibitor of apoptosis; plus strand). Cytogenetic location: Xq25.
Variant type: single nucleotide variant.
Coding change: c.276T>C on transcript NM_001167.4 (MANE Select); coding-DNA position 276, T replaced by C.
Protein change: p.Phe92=; no amino-acid change (phenylalanine 92 retained).
Molecular consequence: synonymous variant.
Genome position (GRCh38, 1-based): chrX:123,885,938, T>C. VCF-style: chrX-123885938-T-C. GRCh37 (hg19) VCF-style: chrX-123019788-T-C.
Other names: p.Phe92=; c.276T>C, p.Phe92= (NM_001204401.2, NM_001378590.1, NM_001378591.1 and 1 more transcripts).
Identifiers: ClinVar variation 533657 (VCV000533657.14), dbSNP rs45575532, ClinGen allele CA10508008.

ClinVar aggregate classification (germline): Benign/Likely benign. Review status: criteria provided, multiple submitters, no conflicts (2 of 4 stars). 3 submissions from 3 submitters: Benign (2); Likely benign (1). Last evaluated 2026-01-13.

Conditions:
X-linked lymphoproliferative disease due to XIAP deficiency. Also called: XIAP DEFICIENCY; XIAP-Related Lymphoproliferative Disease, X-Linked. Identifiers: Orphanet 2442, Orphanet 538934, MedGen C1845076, MONDO:0010385, OMIM 300635.

Allele frequency attached by ClinVar (database versions not stated): ExAC 0.00059; gnomAD exomes 0.00059 and 0.00126; TOPMed 0.00070; gnomAD 0.00080 and 0.00082; 1000 Genomes Project 30x 0.00146; 1000 Genomes Project 0.00159; ESP Exome Variant Server 0.00180.
gnomAD v4.1: 1,465 of 1,210,110 alleles (0.12%); highest among the groups gnomAD compares: Non-Finnish European, 0.15%; 1 homozygote.

Submissions (3):

Labcorp Genetics (formerly Invitae), Labcorp
Classification: Benign for X-linked lymphoproliferative disease due to XIAP deficiency. Last evaluated: 2026-01-13. Review status: criteria provided, single submitter. Criteria: Invitae Variant Classification Sherloc (09022015). Collection method: clinical testing. Allele origin: germline.

Mayo Clinic Laboratories, Mayo Clinic
Classification: Benign. Last evaluated: 2025-06-23. Review status: criteria provided, single submitter. Criteria: ACMG Guidelines, 2015. Collection method: clinical testing. Allele origin: germline. Observed: 4 variant alleles.
Comment: BS1, BS2, BP4, BP7

Blueprint Genetics
Classification: Likely benign. Last evaluated: 2024-08-22. Review status: criteria provided, single submitter. Criteria: ACMG Guidelines, 2015. Collection method: clinical testing. Allele origin: germline.